The following is an entry in ClinVar:

ClinVar aggregate classification (germline): Uncertain significance (1 of 4 stars; one submission).

Conditions:
Inborn genetic diseases. Identifiers: MedGen C0950123, MeSH D030342.

Submission:

Ambry Genetics
Classification: Uncertain significance for Inborn genetic diseases. Last evaluated: 2025-02-01. Review status: criteria provided, single submitter. Criteria: Ambry Variant Classification Scheme 2023. Collection method: clinical testing. Allele origin: germline.
Comment: The p.T1452I variant (also known as c.4355C>T), located in coding exon 13 of the ASXL1 gene, results from a C to T substitution at nucleotide position 4355. The threonine at codon 1452 is replaced by isoleucine, an amino acid with similar properties. This amino acid position is conserved. In addition, this alteration is predicted to be tolerated by in silico analysis. Based on the available evidence, the clinical significance of this variant remains unclear.

NM_015338.6(ASXL1):c.4355C>T (p.Thr1452Ile)

Gene: ASXL1 (ASXL transcriptional regulator 1; plus strand). Cytogenetic location: 20q11.21.
Variant type: single nucleotide variant.
Coding change: c.4355C>T on transcript NM_015338.6 (MANE Select); coding-DNA position 4355, C replaced by T.
Protein change: p.Thr1452Ile; replaces threonine 1452 with isoleucine.
Molecular consequence: missense variant.
Genome position (GRCh38, 1-based): chr20:32,437,067, C>T. VCF-style: chr20-32437067-C-T. GRCh37 (hg19) VCF-style: chr20-31024870-C-T.
Other names: c.4172C>T, p.Thr1391Ile (NM_001363734.1); short protein forms T1391I, T1452I.
Identifiers: ClinVar variation 3793051 (VCV003793051.1).